The following is an entry in ClinVar:

ClinVar aggregate classification (germline): Uncertain significance. Review status: criteria provided, multiple submitters, no conflicts (2 of 4 stars). 3 submissions from 3 submitters: Uncertain significance (3). Last evaluated 2025-09-10.

Conditions:
Inborn genetic diseases. Identifiers: MedGen C0950123, MeSH D030342.

gnomAD v4.1: 61 of 1,614,038 alleles (0.0038%); highest among the groups gnomAD compares: Admixed American, 0.095%; no homozygotes.

Submissions (3):

Ambry Genetics
Classification: Uncertain significance for Inborn genetic diseases. Last evaluated: 2025-09-10. Review status: criteria provided, single submitter. Criteria: Ambry Variant Classification Scheme 2023. Collection method: clinical testing. Allele origin: germline.

Labcorp Genetics (formerly Invitae), Labcorp
Classification: Uncertain significance. Last evaluated: 2023-08-04. Review status: criteria provided, single submitter. Criteria: Invitae Variant Classification Sherloc (09022015). Collection method: clinical testing. Allele origin: germline.
Comment: This sequence change replaces proline, which is neutral and non-polar, with arginine, which is basic and polar, at codon 457 of the SLCO2A1 protein (p.Pro457Arg). This variant is present in population databases (no rsID available, gnomAD 0.05%). This variant has not been reported in the literature in individuals affected with SLCO2A1-related conditions. ClinVar contains an entry for this variant (Variation ID: 1315796). Advanced modeling of protein sequence and biophysical properties (such as structural, functional, and spatial information, amino acid conservation, physicochemical variation, residue mobility, and thermodynamic stability) performed at Invitae indicates that this missense variant is expected to disrupt SLCO2A1 protein function. In summary, the available evidence is currently insufficient to determine the role of this variant in disease. Therefore, it has been classified as a Variant of Uncertain Significance.

GeneDx
Classification: Uncertain significance. Last evaluated: 2019-09-29. Review status: criteria provided, single submitter. Criteria: GeneDx Variant Classification Process June 2021. Collection method: clinical testing. Allele origin: germline. Affected: yes.
Comment: In silico analysis, which includes protein predictors and evolutionary conservation, supports a deleterious effect; Has not been previously published as pathogenic or benign to our knowledge

NM_005630.3(SLCO2A1):c.1370C>G (p.Pro457Arg)

Genes: SLCO2A1 (solute carrier organic anion transporter family member 2A1; minus strand), LOC123038185 (Sharpr-MPRA regulatory region 14374; plus strand). Cytogenetic location: 3q22.1.
Variant type: single nucleotide variant.
Coding change: c.1370C>G on transcript NM_005630.3 (MANE Select); coding-DNA position 1370, C replaced by G.
Protein change: p.Pro457Arg; replaces proline 457 with arginine.
Molecular consequence: missense variant.
Genome position (GRCh38, 1-based): chr3:133,945,186, G>C on the plus strand (C>G on the coding strand, the complement: SLCO2A1 is on the minus strand). VCF-style: chr3-133945186-G-C. GRCh37 (hg19) VCF-style: chr3-133664030-G-C.
Other names: short protein forms P457R.
Identifiers: ClinVar variation 1315796 (VCV001315796.8), dbSNP rs745763957, ClinGen allele CA354616189.